The following is an entry in ClinVar:

ClinVar aggregate classification (germline): Likely pathogenic (1 of 4 stars; one submission).

Conditions:
Dilated cardiomyopathy 1G (CMD1G). Identifiers: Orphanet 154, MedGen C1858763, MONDO:0011400, OMIM 604145.
Autosomal recessive limb-girdle muscular dystrophy type 2J (LGMDR10). Also called: Limb-girdle muscular dystrophy, type 2J; MUSCULAR DYSTROPHY, LIMB-GIRDLE, AUTOSOMAL RECESSIVE 10. Identifiers: Orphanet 140922, MedGen C1837342, MONDO:0012127, OMIM 608807.

Submission:

Labcorp Genetics (formerly Invitae), Labcorp
Classification: Likely pathogenic for Dilated cardiomyopathy 1G; Autosomal recessive limb-girdle muscular dystrophy type 2J. Last evaluated: 2024-10-18. Review status: criteria provided, single submitter. Criteria: Invitae Variant Classification Sherloc (09022015). Collection method: clinical testing. Allele origin: germline.
Comment: This sequence change creates a premature translational stop signal (p.Ala23Glnfs*15) in the TTN gene. While this is not anticipated to result in nonsense mediated decay, it is expected to create a truncated TTN protein. This variant is not present in population databases (gnomAD no frequency). This variant has not been reported in the literature in individuals affected with TTN-related conditions. ClinVar contains an entry for this variant (Variation ID: 2028411). This variant is located in the Z band of TTN (PMID: 25589632). Truncating variants in this region have been reported in individuals affected with autosomal recessive centronuclear myopathy (PMID: 33449170, internal data). Truncating variants in this region have also been identified in individuals affected with autosomal dominant dilated cardiomyopathy and/or cardio-related conditions (PMID: 27869827, 32964742, internal data). In summary, the currently available evidence indicates that the variant is pathogenic, but additional data are needed to prove that conclusively. Therefore, this variant has been classified as Likely Pathogenic.

Literature cited by the submitters: PubMed 25589632; PubMed 33449170; PubMed 27869827; PubMed 32964742.

NM_001267550.2(TTN):c.66del (p.Ala23fs)

Gene: TTN (titin; minus strand). Cytogenetic location: 2q31.2.
Variant type: Deletion.
Coding change: c.66del on transcript NM_001267550.2 (MANE Select); coding-DNA position 66, one base deleted (C; older notation c.66delC).
Protein change: p.Ala23fs; shifts the reading frame from alanine 23.
Molecular consequence: frameshift variant.
Genome position (GRCh38, 1-based): chr2:178,804,577, G deleted on the plus strand (C on the coding strand, the reverse complement: TTN is on the minus strand); the first of 2 consecutive G bases (chr2:178,804,577-178,804,578); deleting either gives the same sequence. VCF-style (leftmost placement, unchanged base first): chr2-178804576-CG-C. GRCh37 (hg19) VCF-style: chr2-179669303-CG-C.
Other names: c.66del, p.Ala23fs (NM_001256850.1, NM_003319.4, NM_133378.4 and 3 more transcripts); short protein forms A23fs.
Identifiers: ClinVar variation 2028411 (VCV002028411.4), dbSNP rs2534628664, ClinGen allele CA2580065394.